The following is an entry in ClinVar:

ClinVar aggregate classification (germline): Uncertain significance (1 of 4 stars; one submission).

Conditions:
Aortic aneurysm, familial thoracic 4 (AAT4). Also called: AORTIC ANEURYSM/AORTIC DISSECTION AND PATENT DUCTUS ARTERIOSUS. Identifiers: MedGen C1851504, MONDO:0007568, OMIM 132900.

Submission:

Labcorp Genetics (formerly Invitae), Labcorp
Classification: Uncertain significance for Aortic aneurysm, familial thoracic 4. Last evaluated: 2021-03-07. Review status: criteria provided, single submitter. Criteria: Invitae Variant Classification Sherloc (09022015). Collection method: clinical testing. Allele origin: germline.
Comment: This sequence change replaces aspartic acid with glutamic acid at codon 1614 of the MYH11 protein (p.Asp1614Glu). The aspartic acid residue is highly conserved and there is a small physicochemical difference between aspartic acid and glutamic acid. This variant is not present in population databases (ExAC no frequency). This variant has not been reported in the literature in individuals with MYH11-related conditions. Algorithms developed to predict the effect of missense changes on protein structure and function are either unavailable or do not agree on the potential impact of this missense change (SIFT: "Deleterious"; PolyPhen-2: "Benign"; Align-GVGD: "Class C35"). In summary, the available evidence is currently insufficient to determine the role of this variant in disease. Therefore, it has been classified as a Variant of Uncertain Significance.

NM_002474.3(MYH11):c.4821C>A (p.Asp1607Glu)

Genes: NDE1 (nudE neurodevelopment protein 1; plus strand), MYH11 (myosin heavy chain 11; minus strand). Cytogenetic location: 16p13.11.
Variant type: single nucleotide variant.
Coding change: c.4821C>A on transcript NM_002474.3 (MANE Select); coding-DNA position 4821, C replaced by A.
Protein change: p.Asp1607Glu; replaces aspartic acid 1607 with glutamic acid.
Molecular consequence: missense variant. On other transcripts: intron variant (2).
Genome position (GRCh38, 1-based): chr16:15,720,283, G>T on the plus strand (C>A on the coding strand, the complement: MYH11 is on the minus strand). VCF-style: chr16-15720283-G-T. GRCh37 (hg19) VCF-style: chr16-15814140-G-T.
Other names: c.4842C>A, p.Asp1614Glu (NM_001040113.2, NM_001040114.2); c.4821C>A, p.Asp1607Glu (NM_022844.3); c.948-3908G>T (NM_001143979.2, NM_017668.3); short protein forms D1607E, D1614E.
Identifiers: ClinVar variation 1485713 (VCV001485713.8), dbSNP rs749424185, ClinGen allele CA394852728.